The following is an entry in ClinVar:

ClinVar aggregate classification (germline): Uncertain significance (1 of 4 stars; one submission).

Submission:

GeneDx
Classification: Uncertain significance. Last evaluated: 2026-02-25. Review status: criteria provided, single submitter. Criteria: GeneDx Variant Classification Process June 2021. Collection method: clinical testing. Allele origin: germline.
Comment: Not observed at significant frequency in large population cohorts (gnomAD); In silico analysis supports that this missense variant has a deleterious effect on protein structure/function; Has not been previously published as pathogenic or benign to our knowledge; Not located in the triple helical region, where the majority of pathogenic missense variants occur (HGMD)

NM_000088.4(COL1A1):c.389G>A (p.Gly130Asp)

Gene: COL1A1 (collagen type I alpha 1 chain; minus strand). Cytogenetic location: 17q21.33.
Variant type: single nucleotide variant.
Coding change: c.389G>A on transcript NM_000088.4 (MANE Select); coding-DNA position 389, G replaced by A.
Protein change: p.Gly130Asp; replaces glycine 130 with aspartic acid.
Molecular consequence: missense variant.
Genome position (GRCh38, 1-based): chr17:50,199,308, C>T on the plus strand (G>A on the coding strand, the complement: COL1A1 is on the minus strand). VCF-style: chr17-50199308-C-T. GRCh37 (hg19) VCF-style: chr17-48276669-C-T.
Other names: short protein forms G130D.
Identifiers: ClinVar variation 5010091 (VCV005010091.1).